The following is an entry in ClinVar:

ClinVar aggregate classification (germline): Uncertain significance (1 of 4 stars; one submission).

Allele frequency attached by ClinVar (database versions not stated): ExAC 0.00001.

Submission:

Labcorp Genetics (formerly Invitae), Labcorp
Classification: Uncertain significance. Last evaluated: 2022-08-12. Review status: criteria provided, single submitter. Criteria: Invitae Variant Classification Sherloc (09022015). Collection method: clinical testing. Allele origin: germline.
Comment: In summary, the available evidence is currently insufficient to determine the role of this variant in disease. Therefore, it has been classified as a Variant of Uncertain Significance. Algorithms developed to predict the effect of missense changes on protein structure and function output the following: SIFT: "Tolerated"; PolyPhen-2: "Benign"; Align-GVGD: "Class C0". The proline amino acid residue is found in multiple mammalian species, which suggests that this missense change does not adversely affect protein function. This variant has not been reported in the literature in individuals affected with GPR179-related conditions. This variant is present in population databases (rs773756576, gnomAD 0.0009%). This sequence change replaces serine, which is neutral and polar, with proline, which is neutral and non-polar, at codon 1442 of the GPR179 protein (p.Ser1442Pro).

NM_001004334.4(GPR179):c.4324T>C (p.Ser1442Pro)

Gene: GPR179 (G protein-coupled receptor 179; minus strand). Cytogenetic location: 17q12.
Variant type: single nucleotide variant.
Coding change: c.4324T>C on transcript NM_001004334.4 (MANE Select); coding-DNA position 4324, T replaced by C.
Protein change: p.Ser1442Pro; replaces serine 1442 with proline.
Molecular consequence: missense variant.
Genome position (GRCh38, 1-based): chr17:38,329,245, A>G on the plus strand (T>C on the coding strand, the complement: GPR179 is on the minus strand). VCF-style: chr17-38329245-A-G. GRCh37 (hg19) VCF-style: chr17-36485128-A-G.
Other names: short protein forms S1442P.
Identifiers: ClinVar variation 1969892 (VCV001969892.5), dbSNP rs773756576, ClinGen allele CA290104250.
Genomic context (GRCh38, chr17:38,329,245, plus strand): 5'-CTTCAGCAATGCCACTGCCCAAACTCCCTGAACACTCTGAGCTTCCTGGGGCCTGAATTG[A>G]GACTGCTGAGGGGCCCCGGAAATCTGTACTCTCCCATGGACAAAGAGACTCCAAGTCTCC-3'
Protein context (NP_001004334.3, residues 1432-1452): STDFRGPSAV[Ser1442Pro]IQAPGSSECS